The following is an entry in ClinVar:

ClinVar aggregate classification (germline): Pathogenic (0 of 4 stars; one submission).

Submission:

Department of Pathology and Laboratory Medicine, Sinai Health System
Classification: Pathogenic. Review status: no assertion criteria provided. Collection method: clinical testing. Allele origin: unknown. Affected: yes. Study: The Canadian Open Genetics Repository (COGR).
Comment: The BRCA1 c.4358-?_4484+?dup variant (chr17.GRCh37/hg19. g.41228505_41228631dup) results in a duplication of exon 14, although the precise breakpoints of this duplication were not determined, nor were the effects of this variant on the resulting mRNA or protein product determined. The BRCA1 p.Arg1495SerfsX9 variant was not identified in the literature nor was it identified in the dbSNP, GeneInsight-COGR, Cosmic, MutDB, LOVD 3.0, UMD-LSDB, BIC Database, ARUP Laboratories, Zhejiang Colon Cancer Database, the 1000 Genomes Project, the NHLBI GO Exome Sequencing Project, the Exome Aggregation Consortium (August 8th 2016), or the Genome Aggregation Database (Feb 27, 2017). The variant was identified in ClinVar (as pathogenic by CIMBA), and Clinvitae (1X). The c.4358-?_4484+?dup variant is predicted to cause a frameshift, which alters the protein's amino acid sequence beginning at codon 1495 and leads to a premature stop codon at 9 codons downstream. This alteration is then predicted to result in a truncated or absent protein and loss of function. Loss of function variants of the BRCA1 gene are an established mechanism of disease in hereditary breast and ovarian cancer and is the type of variant expected to cause the disorder. In summary, based on the above information this variant meets our laboratoryâ€šÃ„Ã´s criteria to be classified as pathogenic.

NM_007294.4(BRCA1):c.4358-1_4484+2del

Gene: BRCA1 (BRCA1 DNA repair associated; minus strand). Cytogenetic location: 17q21.31.
Variant type: Deletion.
Coding change: c.4358-1_4484+2del on transcript NM_007294.4 (MANE Select); the canonical splice acceptor site of the intron before coding-DNA position 4358 through the canonical splice donor site of the intron after coding-DNA position 4484, 130 bases deleted.
Molecular consequence: splice acceptor variant, splice donor variant. On other transcripts: intron variant (3).
Genome position (GRCh38, 1-based): chr17:43,076,486-43,076,615, 130 bases deleted. GRCh37 (hg19): chr17:41,228,503-41,228,632.
Other names: c.908-4_1031+2del (NM_001408458.1, NM_001408461.1, NM_001408459.1 and 1 more transcripts); c.3470-4_3593+2del (NM_001407967.1); c.3977-1_4103+2del (NM_001407959.1); c.4091-1_4217+2del (NM_001407931.1, NM_001407932.1, NM_001407930.1 and 1 more transcripts); c.4214-1_4340+2del (NM_001407747.1, NM_001407745.1, NM_001407746.1 and 11 more transcripts); c.3974-1_4100+2del (NM_001407962.1); c.545-1_671+2del (NM_001408512.1); c.668-1_794+2del (NM_001408510.1); and 98 more.
Identifiers: ClinVar variation 1049868 (VCV001049868.2), dbSNP rs2154056714, ClinGen allele CA2499224413.